The following is an entry in ClinVar:

ClinVar aggregate classification (germline): Benign/Likely benign. Review status: criteria provided, multiple submitters, no conflicts (2 of 4 stars). 3 submissions from 3 submitters: Benign (1); Likely benign (2). Last evaluated 2025-12-12.

Conditions:
Malignant hyperthermia, susceptibility to, 5 (MHS5). Also called: CACNA1S-Related Malignant Hyperthermia Susceptibility. Identifiers: Orphanet 423, MedGen C1866077, MONDO:0011163, OMIM 601887.
Hypokalemic periodic paralysis, type 1. Also called: HypoPP; Hypokalemic Periodic Paralysis Type 1 (AD). Identifiers: Orphanet 681, MedGen C3714580, MONDO:0042979, OMIM 170400.

Allele frequency attached by ClinVar (database versions not stated): TOPMed 0.00003.
gnomAD v4.1: 98 of 1,614,090 alleles (0.0061%); highest among the groups gnomAD compares: Non-Finnish European, 0.0081%; no homozygotes.

Submissions (3):

Labcorp Genetics (formerly Invitae), Labcorp
Classification: Benign for Hypokalemic periodic paralysis, type 1; Malignant hyperthermia, susceptibility to, 5. Last evaluated: 2025-12-12. Review status: criteria provided, single submitter. Criteria: Invitae Variant Classification Sherloc (09022015). Collection method: clinical testing. Allele origin: germline.

All of Us Research Program, National Institutes of Health
Classification: Likely benign for Malignant hyperthermia, susceptibility to, 5. Last evaluated: 2023-12-01. Review status: criteria provided, single submitter. Criteria: ACMG Guidelines, 2015. Collection method: clinical testing. Allele origin: germline. Inheritance: Autosomal dominant inheritance. Observed: 4 variant alleles, 4 heterozygotes.
Comment: This study involves interpretation of variants in research participants for the purpose of population health screening. Participant phenotype was not available at the time of variant classification. Additional details can be found in publication PMID: 35346344, PMCID: PMC8962531

Color Diagnostics, LLC DBA Color Health
Classification: Likely benign for Malignant hyperthermia, susceptibility to, 5. Last evaluated: 2022-12-02. Review status: criteria provided, single submitter. Criteria: ACMG Guidelines, 2015. Collection method: clinical testing. Allele origin: germline.

NM_000069.3(CACNA1S):c.1777C>A (p.Arg593=)

Gene: CACNA1S (calcium voltage-gated channel subunit alpha1 S; minus strand). Cytogenetic location: 1q32.1.
Variant type: single nucleotide variant.
Coding change: c.1777C>A on transcript NM_000069.3 (MANE Select); coding-DNA position 1777, C replaced by A.
Protein change: p.Arg593=; no amino-acid change (arginine 593 retained).
Molecular consequence: synonymous variant.
Genome position (GRCh38, 1-based): chr1:201,076,970, G>T on the plus strand (C>A on the coding strand, the complement: CACNA1S is on the minus strand). VCF-style: chr1-201076970-G-T. GRCh37 (hg19) VCF-style: chr1-201046098-G-T.
Identifiers: ClinVar variation 571475 (VCV000571475.10), dbSNP rs138541733, ClinGen allele CA078555.
Genomic context (GRCh38, chr1:201,076,970, plus strand): 5'-GAGAGCCTACCTGGAAGACGCTGATGAGGGCTTGGGGAAAGTTGTCAAAGTTGCTGCGCC[G>T]TACTTCTGTGTCTTCAAAGTCATACCTCCCCCCAAAGAGCTGCATGCCCAGGAGGGCGAA-3'
Protein context (NP_000060.2, residues 583-603): GRYDFEDTEV[Arg593=]RSNFDNFPQA